The following is an entry in ClinVar:

ClinVar aggregate classification (germline): Likely pathogenic (1 of 4 stars; one submission).

Conditions:
Primary ciliary dyskinesia 15. Also called: CILIARY DYSKINESIA, PRIMARY, 15, WITH OR WITHOUT SITUS INVERSUS. Identifiers: Orphanet 244, MedGen C3151137, MONDO:0013435, OMIM 613808.

Submission:

Neuberg Centre For Genomic Medicine, NCGM
Classification: Likely pathogenic for Primary ciliary dyskinesia 15. Review status: criteria provided, single submitter. Criteria: ACMG Guidelines, 2015. Collection method: clinical testing. Allele origin: germline. Inheritance: Autosomal recessive inheritance. Affected: yes.
Comment: The stop gain c.2476C>T p.Gln826Ter variant in CCDC40 gene has not been reported previously as a pathogenic variant nor as a benign variant, to our knowledge. The c.2476C>T variant is novel not in any individuals in both gnomAD Exomes and 1000 Genomes databases. This variant has not been reported to the ClinVar database. The nucleotide change c.2476C>T in CCDC40 is predicted as conserved by GERP++ and PhyloP across 100 vertebrates. This variant is predicted to cause loss of normal protein function through protein truncation. Loss of function variants have been previously reported to be disease causing. For these reasons, this variant has been classified as Likely Pathogenic.

NM_017950.4(CCDC40):c.2476C>T (p.Gln826Ter)

Gene: CCDC40 (coiled-coil domain 40 molecular ruler complex subunit; plus strand). Cytogenetic location: 17q25.3.
Variant type: single nucleotide variant.
Coding change: c.2476C>T on transcript NM_017950.4 (MANE Select); coding-DNA position 2476, C replaced by T.
Protein change: p.Gln826Ter; replaces glutamine 826 with a stop codon.
Molecular consequence: nonsense.
Genome position (GRCh38, 1-based): chr17:80,087,633, C>T. VCF-style: chr17-80087633-C-T. GRCh37 (hg19) VCF-style: chr17-78061432-C-T.
Other names: c.2476C>T, p.Gln826Ter (NM_001243342.2); short protein forms Q826*.
Identifiers: ClinVar variation 3235033 (VCV003235033.1), dbSNP rs1188440303, ClinGen allele CA401348341.
Genomic context (GRCh38, chr17:80,087,633, plus strand): 5'-GGGTCTCTCCCTGAGTCTCTGTTTTCTGCCATAGGCAAGATTGAGCAGGAGAAGAAGGAG[C>T]AGAAGGAGATCGAGCACCACATGAAGGACCTGGACAACGACCTGAAGAAGCTCAACATGT-3'